The following is an entry in ClinVar:

NM_000260.4(MYO7A):c.1864A>G (p.Met622Val)

Gene: MYO7A (myosin VIIA; plus strand). Cytogenetic location: 11q13.5.
Variant type: single nucleotide variant.
Coding change: c.1864A>G on transcript NM_000260.4 (MANE Select); coding-DNA position 1864, A replaced by G.
Protein change: p.Met622Val; replaces methionine 622 with valine.
Molecular consequence: missense variant.
Genome position (GRCh38, 1-based): chr11:77,172,814, A>G. VCF-style: chr11-77172814-A-G. GRCh37 (hg19) VCF-style: chr11-76883860-A-G.
Other names: c.1864A>G, p.Met622Val (NM_001127180.2); c.1831A>G, p.Met611Val (NM_001369365.1); short protein forms M622V, M611V.
Identifiers: ClinVar variation 3679118 (VCV003679118.2).

ClinVar aggregate classification (germline): Uncertain significance (1 of 4 stars; one submission).

Submission:

Labcorp Genetics (formerly Invitae), Labcorp
Classification: Uncertain significance. Last evaluated: 2024-02-22. Review status: criteria provided, single submitter. Criteria: Invitae Variant Classification Sherloc (09022015). Collection method: clinical testing. Allele origin: germline.
Comment: This sequence change replaces methionine, which is neutral and non-polar, with valine, which is neutral and non-polar, at codon 622 of the MYO7A protein (p.Met622Val). This variant is not present in population databases (gnomAD no frequency). This variant has not been reported in the literature in individuals affected with MYO7A-related conditions. Advanced modeling of protein sequence and biophysical properties (such as structural, functional, and spatial information, amino acid conservation, physicochemical variation, residue mobility, and thermodynamic stability) performed at Invitae indicates that this missense variant is expected to disrupt MYO7A protein function with a positive predictive value of 95%. In summary, the available evidence is currently insufficient to determine the role of this variant in disease. Therefore, it has been classified as a Variant of Uncertain Significance.